The following is an entry in ClinVar:

ClinVar aggregate classification (germline): Uncertain significance (1 of 4 stars; one submission).

Conditions:
Sterile multifocal osteomyelitis with periostitis and pustulosis. Also called: CHRONIC RECURRENT MULTIFOCAL OSTEOMYELITIS 2, WITH PERIOSTITIS AND PUSTULOSIS. Identifiers: Orphanet 210115, MedGen C2748507, MONDO:0013021, OMIM 612852.

Allele frequency attached by ClinVar (database versions not stated): TOPMed below 0.00001; gnomAD 0.00001; gnomAD exomes 0.00001 and 0.00002; ExAC 0.00002; 1000 Genomes Project 30x 0.00016; 1000 Genomes Project 0.00020.
gnomAD v4.1: 10 of 1,613,966 alleles (0.00062%); highest among the groups gnomAD compares: East Asian, 0.011%; no homozygotes.

Submission:

Labcorp Genetics (formerly Invitae), Labcorp
Classification: Uncertain significance for Sterile multifocal osteomyelitis with periostitis and pustulosis. Last evaluated: 2024-10-16. Review status: criteria provided, single submitter. Criteria: Invitae Variant Classification Sherloc (09022015). Collection method: clinical testing. Allele origin: germline.
Comment: This sequence change replaces serine, which is neutral and polar, with arginine, which is basic and polar, at codon 36 of the IL1RN protein (p.Ser36Arg). This variant is present in population databases (rs573468124, gnomAD 0.02%). This variant has not been reported in the literature in individuals affected with IL1RN-related conditions. ClinVar contains an entry for this variant (Variation ID: 1513433). An algorithm developed to predict the effect of missense changes on protein structure and function (PolyPhen-2) suggests that this variant¬†is likely to be tolerated. In summary, the available evidence is currently insufficient to determine the role of this variant in disease. Therefore, it has been classified as a Variant of Uncertain Significance.

NM_173842.3(IL1RN):c.99C>G (p.Ser33Arg)

Gene: IL1RN (interleukin 1 receptor antagonist; plus strand). Cytogenetic location: 2q14.1.
Variant type: single nucleotide variant.
Coding change: c.99C>G on transcript NM_173842.3 (MANE Select); coding-DNA position 99, C replaced by G.
Protein change: p.Ser33Arg; replaces serine 33 with arginine.
Molecular consequence: missense variant. On other transcripts: 5 prime UTR variant (3).
Genome position (GRCh38, 1-based): chr2:113,127,723, C>G. VCF-style: chr2-113127723-C-G. GRCh37 (hg19) VCF-style: chr2-113885300-C-G.
Other names: c.45C>G, p.Ser15Arg (NM_000577.5); c.-4C>G (NM_001318914.2, NM_001379360.1, NM_173843.3); c.108C>G, p.Ser36Arg (NM_173841.3); short protein forms S15R, S33R, S36R.
Identifiers: ClinVar variation 1513433 (VCV001513433.6), dbSNP rs573468124, ClinGen allele CA1838762.
Genomic context (GRCh38, chr2:113,127,723, plus strand): 5'-TCTCCTCCTCTTCCTGTTCCATTCAGAGACGATCTGCCGACCCTCTGGGAGAAAATCCAG[C>G]AAGATGCAAGCCTTCAGGTAAGGCTACCCCAAGGAGGAGAAGGTGAGGGTGGATCAGCTG-3'
Protein context (NP_776214.1, residues 23-43): TICRPSGRKS[Ser33Arg]KMQAFRIWDV